The following is an entry in ClinVar:

NM_004239.4(TRIP11):c.527G>A (p.Arg176Gln)

Gene: TRIP11 (thyroid hormone receptor interactor 11; minus strand). Cytogenetic location: 14q32.12.
Variant type: single nucleotide variant.
Coding change: c.527G>A on transcript NM_004239.4 (MANE Select); coding-DNA position 527, G replaced by A.
Protein change: p.Arg176Gln; replaces arginine 176 with glutamine.
Molecular consequence: missense variant.
Genome position (GRCh38, 1-based): chr14:92,021,617, C>T on the plus strand (G>A on the coding strand, the complement: TRIP11 is on the minus strand). VCF-style: chr14-92021617-C-T. GRCh37 (hg19) VCF-style: chr14-92487961-C-T.
Other names: c.524G>A, p.Arg175Gln (NM_001321851.1); short protein forms R175Q, R176Q.
Identifiers: ClinVar variation 4985270 (VCV004985270.1).

ClinVar aggregate classification (germline): Uncertain significance (1 of 4 stars; one submission).

Conditions:
TRIP11-related disorder. Also called: TRIP11-Related Disorders; TRIP11-related condition.

gnomAD v4.1: 44 of 1,613,958 alleles (0.0027%); highest among the groups gnomAD compares: Non-Finnish European, 0.0034%; no homozygotes.

Submission:

PreventionGenetics, part of Exact Sciences
Classification: Uncertain significance for TRIP11-related condition. Last evaluated: 2025-12-09. Review status: criteria provided, single submitter. Criteria: ACMG Guidelines, 2015. Collection method: clinical testing. Allele origin: germline.
Comment: The TRIP11 c.527G>A variant is predicted to result in the amino acid substitution p.Arg176Gln. To our knowledge, this variant has not been reported in the literature. This variant is reported in 0.0039% of alleles in individuals of European (Non-Finnish) descent in gnomAD. At this time, the clinical significance of this variant is uncertain due to the absence of conclusive functional and genetic evidence.